The following is an entry in ClinVar:

NM_002296.4(LBR):c.1239C>T (p.Arg413=)

Gene: LBR (lamin B receptor; minus strand). Cytogenetic location: 1q42.12.
Variant type: single nucleotide variant.
Coding change: c.1239C>T on transcript NM_002296.4 (MANE Select); coding-DNA position 1239, C replaced by T.
Protein change: p.Arg413=; no amino-acid change (arginine 413 retained).
Molecular consequence: synonymous variant.
Genome position (GRCh38, 1-based): chr1:225,410,366, G>A on the plus strand (C>T on the coding strand, the complement: LBR is on the minus strand). VCF-style: chr1-225410366-G-A. GRCh37 (hg19) VCF-style: chr1-225598068-G-A.
Other names: c.1239C>T, p.Arg413= (NM_194442.3).
Identifiers: ClinVar variation 735223 (VCV000735223.10), dbSNP rs149483088, ClinGen allele CA1417194.
Genomic context (GRCh38, chr1:225,410,366, plus strand): 5'-ATCCACCACATAGAGAAGCTGGAAACTATTAACTAAAATCATGGCCAAGGATGGAACAGC[G>A]CGGTCCTGTATTTTCATTTCAGCCAAAAGCATCACCAAGTTAATAACCACCTGAAACAAA-3'
Protein context (NP_002287.2, residues 403-423): MLLAEMKIQD[Arg413=]AVPSLAMILV

ClinVar aggregate classification (germline): Likely benign. Review status: criteria provided, multiple submitters, no conflicts (2 of 4 stars). 2 submissions from 2 submitters: Likely benign (2). Last evaluated 2025-07-14.

Conditions:
LBR-related disorder. Also called: LBR-related condition; LBR-related disorders.

Allele frequency attached by ClinVar (database versions not stated): TOPMed 0.00005; gnomAD exomes 0.00007 and 0.00012; gnomAD 0.00009; ExAC 0.00011; ESP Exome Variant Server 0.00015; 1000 Genomes Project 0.00020; 1000 Genomes Project 30x 0.00031.
gnomAD v4.1: 194 of 1,614,142 alleles (0.012%); highest among the groups gnomAD compares: African/African-American, 0.016%; no homozygotes.

Submissions (2):

Labcorp Genetics (formerly Invitae), Labcorp
Classification: Likely benign. Last evaluated: 2025-07-14. Review status: criteria provided, single submitter. Criteria: Invitae Variant Classification Sherloc (09022015). Collection method: clinical testing. Allele origin: germline.

PreventionGenetics, part of Exact Sciences
Classification: Likely benign for LBR-related condition. Last evaluated: 2025-03-13. Review status: criteria provided, single submitter. Criteria: ACMG Guidelines, 2015. Collection method: clinical testing. Allele origin: germline.
Comment: This variant is classified as likely benign based on ACMG/AMP sequence variant interpretation guidelines (Richards et al. 2015 PMID: 25741868, with internal and published modifications).